The following is an entry in ClinVar:

NM_000512.5(GALNS):c.240G>A (p.Ser80=)

Gene: GALNS (galactosamine (N-acetyl)-6-sulfatase; minus strand). Cytogenetic location: 16q24.3.
Variant type: single nucleotide variant.
Coding change: c.240G>A on transcript NM_000512.5 (MANE Select); coding-DNA position 240, G replaced by A.
Protein change: p.Ser80=; no amino-acid change (serine 80 retained).
Molecular consequence: synonymous variant. On other transcripts: intron variant (1).
Genome position (GRCh38, 1-based): chr16:88,842,710, C>T on the plus strand (G>A on the coding strand, the complement: GALNS is on the minus strand). VCF-style: chr16-88842710-C-T. GRCh37 (hg19) VCF-style: chr16-88909118-C-T.
Other names: p.Ser80=; c.258G>A, p.Ser86= (NM_001323544.2); c.-311-739G>A (NM_001323543.2).
Identifiers: ClinVar variation 321207 (VCV000321207.24), dbSNP rs11865929, ClinGen allele CA8235257.
Genomic context (GRCh38, chr16:88,842,710, plus strand): 5'-AGGCCTCGGCCTGTTGGGCTCACCCCTTCCTGGGGGCGAGGGCCCCGCTGACTTACATGG[C>T]GAGCACAGAGGGTTGGCAGAATAGAAGTTTGGGAAAAGCAGCCCTTCTGCAGCCATCCGG-3'
Protein context (NP_000503.1, residues 70-90): PNFYSANPLC[Ser80=]PSRAALLTGR

ClinVar aggregate classification (germline): Benign/Likely benign. Review status: criteria provided, multiple submitters, no conflicts (2 of 4 stars). 7 submissions from 7 submitters: Benign (4); Likely benign (2). 1 of the submissions does not count toward it. Last evaluated 2026-02-02.

Conditions:
Mucopolysaccharidosis, MPS-IV-A (MPS4A). Also called: Mucopolysaccharidosis type IV A; Mucopolysaccharidosis Type IVA; Morquio syndrome A, mild; MORQUIO SYNDROME A; MPS IVA; mucopolysaccharidosis type 4A. Identifiers: Orphanet 309297, Orphanet 582, MedGen C0086651, MONDO:0009659, OMIM 253000.
GALNS-related disorder. Also called: GALNS-related condition.

Allele frequency attached by ClinVar (database versions not stated): ExAC 0.00544; gnomAD 0.01624 and 0.01724; TOPMed 0.01680; ESP Exome Variant Server 0.01857; 1000 Genomes Project 0.01917; 1000 Genomes Project 30x 0.01921.
gnomAD v4.1: 4,803 of 1,612,542 alleles (0.3%); highest among the groups gnomAD compares: African/African-American, 5.7%; 119 homozygotes.

Submissions (7):

Labcorp Genetics (formerly Invitae), Labcorp
Classification: Benign for Mucopolysaccharidosis, MPS-IV-A. Last evaluated: 2026-02-02. Review status: criteria provided, single submitter. Criteria: Invitae Variant Classification Sherloc (09022015). Collection method: clinical testing. Allele origin: germline.

Mayo Clinic Laboratories, Mayo Clinic
Classification: Benign. Last evaluated: 2021-12-12. Review status: criteria provided, single submitter. Criteria: ACMG Guidelines, 2015. Collection method: clinical testing. Allele origin: germline. Observed: 20 variant alleles.

Genome-Nilou Lab
Classification: Benign for Mucopolysaccharidosis, MPS-IV-A. Last evaluated: 2021-11-07. Review status: criteria provided, single submitter. Criteria: ACMG Guidelines, 2015. Collection method: clinical testing. Allele origin: germline. Affected: no.

GeneDx
Classification: Benign. Last evaluated: 2018-07-15. Review status: criteria provided, single submitter. Criteria: GeneDx Variant Classification Process June 2021. Collection method: clinical testing. Allele origin: germline. Affected: yes.

Illumina Laboratory Services, Illumina
Classification: Likely benign for Mucopolysaccharidosis, MPS-IV-A. Last evaluated: 2017-04-27. Review status: criteria provided, single submitter. Criteria: ICSL Variant Classification Criteria 13 December 2019. Collection method: clinical testing. Allele origin: germline.
Comment: This variant was observed as part of a predisposition screen in an ostensibly healthy population. A literature search was performed for the gene, cDNA change, and amino acid change (where applicable). No publications were found based on this search. Allele frequency data from public databases allowed determination this variant is unlikely to cause disease. Therefore, this variant is classified as likely benign.

Breakthrough Genomics
Classification: Likely benign. Review status: criteria provided, single submitter. Criteria: ACMG Guidelines, 2015. Collection method: not provided. Allele origin: germline. Inheritance: Autosomal recessive inheritance. Affected: yes.

PreventionGenetics, part of Exact Sciences
Classification: Benign for GALNS-related condition. Last evaluated: 2019-08-03. Review status: no assertion criteria provided. Collection method: clinical testing. Allele origin: germline. Not counted in ClinVar's aggregate classification.
Comment: This variant is classified as benign based on ACMG/AMP sequence variant interpretation guidelines (Richards et al. 2015 PMID: 25741868, with internal and published modifications).